The following is an entry in ClinVar:

NM_001144967.3(NEDD4L):c.2273A>T (p.Asn758Ile)

Gene: NEDD4L (NEDD4 like E3 ubiquitin protein ligase; plus strand). Cytogenetic location: 18q21.31.
Variant type: single nucleotide variant.
Coding change: c.2273A>T on transcript NM_001144967.3 (MANE Select); coding-DNA position 2273, A replaced by T.
Protein change: p.Asn758Ile; replaces asparagine 758 with isoleucine.
Molecular consequence: missense variant.
Genome position (GRCh38, 1-based): chr18:58,373,190, A>T. VCF-style: chr18-58373190-A-T. GRCh37 (hg19) VCF-style: chr18-56040422-A-T.
Other names: c.1910A>T, p.Asn637Ile (NM_001144964.1, NM_001144965.2, NM_001144966.3); c.2249A>T, p.Asn750Ile (NM_001144968.2); c.2189A>T, p.Asn730Ile (NM_001144969.2); c.1850A>T, p.Asn617Ile (NM_001144970.3, NM_001144971.2); c.2081A>T, p.Asn694Ile (NM_001243960.2); c.3110A>T, p.Asn1037Ile (NM_001437337.1); c.2213A>T, p.Asn738Ile (NM_015277.6); short protein forms N637I, N730I, N1037I, N617I, N750I, N758I, N694I, N738I.
Identifiers: ClinVar variation 5002140 (VCV005002140.1).

ClinVar aggregate classification (germline): Uncertain significance (1 of 4 stars; one submission).

Conditions:
NEDD4L-related disorder. Also called: NEDD4L-related condition.

Submission:

PreventionGenetics, part of Exact Sciences
Classification: Uncertain significance for NEDD4L-related condition. Last evaluated: 2025-01-29. Review status: criteria provided, single submitter. Criteria: ACMG Guidelines, 2015. Collection method: clinical testing. Allele origin: germline.
Comment: The NEDD4L c.2213A>T variant is predicted to result in the amino acid substitution p.Asn738Ile. To our knowledge, this variant has not been reported in the literature or in a large population database (gnomAD), indicating this variant is rare. At this time, the clinical significance of this variant is uncertain due to the absence of conclusive functional and genetic evidence.